The following is an entry in ClinVar:

ClinVar aggregate classification (germline): Benign. Review status: criteria provided, single submitter (1 of 4 stars). 2 submissions from 2 submitters: Benign (1). 1 of the submissions does not count toward it. Last evaluated 2023-10-03.

Conditions:
Dystonic disorder. Also called: Dystonia. Identifiers: MedGen C0013421, MONDO:0003441, HP:0001332.
CIZ1-related disorder. Also called: CIZ1-related condition.

Allele frequency attached by ClinVar (database versions not stated): gnomAD 0.00010 and 0.00018; gnomAD exomes 0.00027 and 0.00041; ExAC 0.00040; 1000 Genomes Project 0.00120; 1000 Genomes Project 30x 0.00125.
gnomAD v4.1: 418 of 1,614,114 alleles (0.026%); highest among the groups gnomAD compares: East Asian, 0.88%; 1 homozygote.

Submissions (2):

Labcorp Genetics (formerly Invitae), Labcorp
Classification: Benign for Dystonic disorder. Last evaluated: 2023-10-03. Review status: criteria provided, single submitter. Criteria: Invitae Variant Classification Sherloc (09022015). Collection method: clinical testing. Allele origin: germline.

PreventionGenetics, part of Exact Sciences
Classification: Likely benign for CIZ1-related condition. Last evaluated: 2020-02-17. Review status: no assertion criteria provided. Collection method: clinical testing. Allele origin: germline. Not counted in ClinVar's aggregate classification.
Comment: This variant is classified as likely benign based on ACMG/AMP sequence variant interpretation guidelines (Richards et al. 2015 PMID: 25741868, with internal and published modifications).

NM_001131016.2(CIZ1):c.929G>A (p.Arg310Gln)

Gene: CIZ1 (CDKN1A interacting zinc finger protein 1; minus strand). Cytogenetic location: 9q34.11.
Variant type: single nucleotide variant.
Coding change: c.929G>A on transcript NM_001131016.2 (MANE Select); coding-DNA position 929, G replaced by A.
Protein change: p.Arg310Gln; replaces arginine 310 with glutamine.
Molecular consequence: missense variant.
Genome position (GRCh38, 1-based): chr9:128,179,278, C>T on the plus strand (G>A on the coding strand, the complement: CIZ1 is on the minus strand). VCF-style: chr9-128179278-C-T. GRCh37 (hg19) VCF-style: chr9-130941557-C-T.
Other names: c.929G>A, p.Arg310Gln (NM_001131015.2, NM_012127.3); c.914G>A, p.Arg305Gln (NM_001131017.2); c.857G>A, p.Arg286Gln (NM_001131018.2); c.1019G>A, p.Arg340Gln (NM_001257975.2); c.626G>A, p.Arg209Gln (NM_001257976.2); c.929G>A (NM_012127.2); short protein forms R209Q, R286Q, R305Q, R310Q, R340Q.
Identifiers: ClinVar variation 1567833 (VCV001567833.10), dbSNP rs200014240, ClinGen allele CA5257405.